The following is an entry in ClinVar:

NM_004991.4(MECOM):c.1901A>T (p.Asn634Ile)

Gene: MECOM (MDS1 and EVI1 complex locus; minus strand). Cytogenetic location: 3q26.2.
Variant type: single nucleotide variant.
Coding change: c.1901A>T on transcript NM_004991.4 (MANE Select); coding-DNA position 1901, A replaced by T.
Protein change: p.Asn634Ile; replaces asparagine 634 with isoleucine.
Molecular consequence: missense variant. On other transcripts: intron variant (2).
Genome position (GRCh38, 1-based): chr3:169,115,971, T>A on the plus strand (A>T on the coding strand, the complement: MECOM is on the minus strand). VCF-style: chr3-169115971-T-A. GRCh37 (hg19) VCF-style: chr3-168833759-T-A.
Other names: c.1532A>T, p.Asn511Ile (NM_001105077.4); c.1337A>T, p.Asn446Ile (NM_001105078.4, NM_001164000.2, NM_001205194.2 and 4 more transcripts); c.1340A>T, p.Asn447Ile (NM_001163999.2, NM_001366467.2, NM_001366468.2 and 1 more transcripts); c.1901A>T, p.Asn634Ile (NM_001366466.2); c.1133-204A>T (NM_001366473.2); c.569-204A>T (NM_001366474.2); short protein forms N447I, N634I, N446I, N511I.
Identifiers: ClinVar variation 4624724 (VCV004624724.1).

ClinVar aggregate classification (germline): Uncertain significance (1 of 4 stars; one submission).

Conditions:
Inborn genetic diseases. Identifiers: MedGen C0950123, MeSH D030342.

Submission:

Ambry Genetics
Classification: Uncertain significance for Inborn genetic diseases. Last evaluated: 2025-11-29. Review status: criteria provided, single submitter. Criteria: Ambry Variant Classification Scheme 2023. Collection method: clinical testing. Allele origin: germline.
Comment: The p.N634I variant (also known as c.1901A>T), located in coding exon 8 of the MECOM gene, results from an A to T substitution at nucleotide position 1901. The asparagine at codon 634 is replaced by isoleucine, an amino acid with dissimilar properties. This amino acid position is conserved. In addition, this alteration is predicted to be tolerated by in silico analysis. Based on the available evidence, the clinical significance of this variant remains unclear.